The following is an entry in ClinVar:

ClinVar aggregate classification (germline): Uncertain significance (1 of 4 stars; one submission).

Conditions:
Developmental and epileptic encephalopathy. Identifiers: MedGen C5779964, MONDO:0100620.

gnomAD v4.1: 6 of 1,366,854 alleles (0.00044%); highest among the groups gnomAD compares: Non-Finnish European, 0.00049%; no homozygotes.

Submission:

Labcorp Genetics (formerly Invitae), Labcorp
Classification: Uncertain significance for Early-infantile DEE. Last evaluated: 2022-08-09. Review status: criteria provided, single submitter. Criteria: Invitae Variant Classification Sherloc (09022015). Collection method: clinical testing. Allele origin: germline.
Comment: This sequence change replaces arginine, which is basic and polar, with leucine, which is neutral and non-polar, at codon 136 of the SLC25A22 protein (p.Arg136Leu). This variant is not present in population databases (gnomAD no frequency). This variant has not been reported in the literature in individuals affected with SLC25A22-related conditions. ClinVar contains an entry for this variant (Variation ID: 1025322). Algorithms developed to predict the effect of missense changes on protein structure and function are either unavailable or do not agree on the potential impact of this missense change (SIFT: "Deleterious"; PolyPhen-2: "Probably Damaging"; Align-GVGD: "Class C15"). In summary, the available evidence is currently insufficient to determine the role of this variant in disease. Therefore, it has been classified as a Variant of Uncertain Significance.

NM_001191061.2(SLC25A22):c.407G>T (p.Arg136Leu)

Gene: SLC25A22 (solute carrier family 25 member 22; minus strand). Cytogenetic location: 11p15.5.
Variant type: single nucleotide variant.
Coding change: c.407G>T on transcript NM_001191061.2 (MANE Select); coding-DNA position 407, G replaced by T.
Protein change: p.Arg136Leu; replaces arginine 136 with leucine.
Molecular consequence: missense variant.
Genome position (GRCh38, 1-based): chr11:792,875, C>A on the plus strand (G>T on the coding strand, the complement: SLC25A22 is on the minus strand). VCF-style: chr11-792875-C-A. GRCh37 (hg19) VCF-style: chr11-792875-C-A.
Other names: c.407G>T, p.Arg136Leu (NM_001191060.2, NM_024698.6); short protein forms R136L.
Identifiers: ClinVar variation 1025322 (VCV001025322.7), dbSNP rs1248128712, ClinGen allele CA378970519.